The following is an entry in ClinVar:

NM_182961.4(SYNE1):c.20863-237T>C

Gene: SYNE1 (spectrin repeat containing nuclear envelope protein 1; minus strand). Cytogenetic location: 6q25.2.
Variant type: single nucleotide variant.
Coding change: c.20863-237T>C on transcript NM_182961.4 (MANE Select); 237 bases into the intron before coding-DNA position 20863, T replaced by C.
Molecular consequence: intron variant.
Genome position (GRCh38, 1-based): chr6:152,231,804, A>G on the plus strand (T>C on the coding strand, the complement: SYNE1 is on the minus strand). VCF-style: chr6-152231804-A-G. GRCh37 (hg19) VCF-style: chr6-152552939-A-G.
Other names: c.20650-237T>C (NM_033071.5).
Identifiers: ClinVar variation 670365 (VCV000670365.1), dbSNP rs1106578, ClinGen allele CA150190319.

ClinVar aggregate classification (germline): Benign (1 of 4 stars; one submission).

Allele frequency attached by ClinVar (database versions not stated): 1000 Genomes Project 30x 0.14569; gnomAD 0.15278 and 0.15515; 1000 Genomes Project 0.16294.
gnomAD v4.1: 17,763 of 116,852 alleles (15%); highest among the groups gnomAD compares: African/African-American, 33%; 1,630 homozygotes.

Submission:

GeneDx
Classification: Benign. Last evaluated: 2018-06-18. Review status: criteria provided, single submitter. Criteria: GeneDx Variant Classification (06012015). Collection method: clinical testing. Allele origin: germline. Affected: yes.
Comment: This variant is considered likely benign or benign based on one or more of the following criteria: it is a conservative change, it occurs at a poorly conserved position in the protein, it is predicted to be benign by multiple in silico algorithms, and/or has population frequency not consistent with disease.